The following is an entry in ClinVar:

NM_002150.3(HPD):c.106T>C (p.Tyr36His)

Genes: HPD (4-hydroxyphenylpyruvate dioxygenase; minus strand), TIALD (transcript inducer of AURKA lysosomal degradation; plus strand). Cytogenetic location: 12q24.31.
Variant type: single nucleotide variant.
Coding change: c.106T>C on transcript NM_002150.3 (MANE Select); coding-DNA position 106, T replaced by C.
Protein change: p.Tyr36His; replaces tyrosine 36 with histidine.
Molecular consequence: missense variant. On other transcripts: 5 prime UTR variant (1).
Genome position (GRCh38, 1-based): chr12:121,857,420, A>G on the plus strand (T>C on the coding strand, the complement: HPD is on the minus strand). VCF-style: chr12-121857420-A-G. GRCh37 (hg19) VCF-style: chr12-122295326-A-G.
Other names: c.-12T>C (NM_001171993.2); short protein forms Y36H.
Identifiers: ClinVar variation 2080879 (VCV002080879.1), dbSNP rs1489416991, ClinGen allele CA387002459.

ClinVar aggregate classification (germline): Uncertain significance (1 of 4 stars; one submission).

Conditions:
Hawkinsinuria. Identifiers: Orphanet 2118, MedGen C2931042, MONDO:0007700, OMIM 140350, HP:0034457.
Tyrosinemia type III. Also called: Tyrosinemia type 3; 4-alpha hydroxyphenylpyruvic acid oxidase deficiency; 4-alpha hydroxyphenylpyruvate dioxygenase deficiency; 4-Hydroxyphenylpyruvate dioxygenase deficiency; 4-HYDROXYPHENYLPYRUVIC ACID OXIDASE DEFICIENCY. Identifiers: Orphanet 69723, MedGen C0268623, MONDO:0010162, OMIM 276710.

Allele frequency attached by ClinVar (database versions not stated): gnomAD exomes 0.00001; TOPMed 0.00001.
gnomAD v4.1: 13 of 1,612,634 alleles (0.00081%); highest among the groups gnomAD compares: Non-Finnish European, 0.001%; no homozygotes.

Submission:

Labcorp Genetics (formerly Invitae), Labcorp
Classification: Uncertain significance for Tyrosinemia type III; Hawkinsinuria. Last evaluated: 2022-07-01. Review status: criteria provided, single submitter. Criteria: Invitae Variant Classification Sherloc (09022015). Collection method: clinical testing. Allele origin: germline.
Comment: This sequence change replaces tyrosine, which is neutral and polar, with histidine, which is basic and polar, at codon 36 of the HPD protein (p.Tyr36His). This variant is present in population databases (no rsID available, gnomAD 0.0009%). This variant has not been reported in the literature in individuals affected with HPD-related conditions. Algorithms developed to predict the effect of missense changes on protein structure and function (SIFT, PolyPhen-2, Align-GVGD) all suggest that this variant is likely to be disruptive. In summary, the available evidence is currently insufficient to determine the role of this variant in disease. Therefore, it has been classified as a Variant of Uncertain Significance.